The following is an entry in ClinVar:

NM_001270974.2(HYDIN):c.13242+8_13242+11del

Gene: HYDIN (HYDIN axonemal central pair apparatus protein; minus strand). Cytogenetic location: 16q22.2.
Variant type: Microsatellite.
Coding change: c.13242+8_13242+11del on transcript NM_001270974.2 (MANE Select); bases 8 to 11 of the intron after coding-DNA position 13242, 4 bases deleted (ACAG; older notation c.13242+8_13242+11delACAG).
Molecular consequence: intron variant.
Genome position (GRCh38, 1-based): chr16:70,837,679-70,837,682, CTGT deleted on the plus strand (ACAG on the coding strand, the reverse complement: HYDIN is on the minus strand); deleting any 4 consecutive bases within chr16:70,837,679-70,837,686 gives the same sequence; the c. name uses the placement nearest the transcript's 3' end. VCF-style (leftmost placement, unchanged base first): chr16-70837678-ACTGT-A. GRCh37 (hg19) VCF-style: chr16-70871581-ACTGT-A.
Identifiers: ClinVar variation 1675631 (VCV001675631.33), dbSNP rs1567682283, ClinGen allele CA623578155.

ClinVar aggregate classification (germline): Likely benign (1 of 4 stars; one submission).

Submission:

CeGaT Center for Human Genetics Tuebingen
Classification: Likely benign. Last evaluated: 2022-03-01. Review status: criteria provided, single submitter. Criteria: CeGaT Center For Human Genetics Tuebingen Variant Classification Criteria Version 2. Collection method: clinical testing. Allele origin: germline. Affected: yes. Observed: 1 variant allele.
Comment: HYDIN: BP4